The following is an entry in ClinVar:

ClinVar aggregate classification (germline): Uncertain significance (1 of 4 stars; one submission).

Allele frequency attached by ClinVar (database versions not stated): gnomAD exomes below 0.00001; ExAC 0.00001.
gnomAD v4.1: 1 of 1,613,126 alleles (0.000062%); highest among the groups gnomAD compares: Non-Finnish European, 0.000085%; no homozygotes.

Submission:

Labcorp Genetics (formerly Invitae), Labcorp
Classification: Uncertain significance. Last evaluated: 2024-01-30. Review status: criteria provided, single submitter. Criteria: Invitae Variant Classification Sherloc (09022015). Collection method: clinical testing. Allele origin: germline.
Comment: This sequence change falls in intron 3 of the FBLN5 gene. It does not directly change the encoded amino acid sequence of the FBLN5 protein. It affects a nucleotide within the consensus splice site. This variant is present in population databases (rs758426809, gnomAD 0.0009%). This variant has not been reported in the literature in individuals affected with FBLN5-related conditions. Variants that disrupt the consensus splice site are a relatively common cause of aberrant splicing (PMID: 17576681, 9536098). Algorithms developed to predict the effect of sequence changes on RNA splicing suggest that this variant is not likely to affect RNA splicing. In summary, the available evidence is currently insufficient to determine the role of this variant in disease. Therefore, it has been classified as a Variant of Uncertain Significance.

Literature cited by the submitters: PubMed 17576681; PubMed 9536098.

NM_006329.4(FBLN5):c.124+6A>G

Gene: FBLN5 (fibulin 5; minus strand). Cytogenetic location: 14q32.12.
Variant type: single nucleotide variant.
Coding change: c.124+6A>G on transcript NM_006329.4 (MANE Select); 6 bases into the intron after coding-DNA position 124, A replaced by G.
Molecular consequence: intron variant.
Genome position (GRCh38, 1-based): chr14:91,940,559, T>C on the plus strand (A>G on the coding strand, the complement: FBLN5 is on the minus strand). VCF-style: chr14-91940559-T-C. GRCh37 (hg19) VCF-style: chr14-92406903-T-C.
Other names: c.124+6A>G (NM_001384160.1, NM_001384158.1); c.-146+6A>G (NM_001384162.1, NM_001384161.1); c.175+6A>G (NM_001384159.1).
Identifiers: ClinVar variation 2779177 (VCV002779177.3), dbSNP rs758426809, ClinGen allele CA7312951.